The following is an entry in ClinVar:

ClinVar aggregate classification (germline): Uncertain significance (1 of 4 stars; one submission).

Allele frequency attached by ClinVar (database versions not stated): gnomAD exomes below 0.00001.
gnomAD v4.1: 2 of 1,613,628 alleles (0.00012%); highest among the groups gnomAD compares: Non-Finnish European, 0.00017%; no homozygotes.

Submission:

Labcorp Genetics (formerly Invitae), Labcorp
Classification: Uncertain significance. Last evaluated: 2022-04-20. Review status: criteria provided, single submitter. Criteria: Invitae Variant Classification Sherloc (09022015). Collection method: clinical testing. Allele origin: germline.
Comment: This sequence change replaces lysine, which is basic and polar, with glutamic acid, which is acidic and polar, at codon 574 of the GNPAT protein (p.Lys574Glu). This variant is present in population databases (no rsID available, gnomAD 0.0009%). This variant has not been reported in the literature in individuals affected with GNPAT-related conditions. Algorithms developed to predict the effect of missense changes on protein structure and function output the following: SIFT: "Tolerated"; PolyPhen-2: "Benign"; Align-GVGD: "Class C0". The glutamic acid amino acid residue is found in multiple mammalian species, which suggests that this missense change does not adversely affect protein function. In summary, the available evidence is currently insufficient to determine the role of this variant in disease. Therefore, it has been classified as a Variant of Uncertain Significance.

NM_014236.4(GNPAT):c.1720A>G (p.Lys574Glu)

Gene: GNPAT (glyceronephosphate O-acyltransferase; plus strand). Cytogenetic location: 1q42.2.
Variant type: single nucleotide variant.
Coding change: c.1720A>G on transcript NM_014236.4 (MANE Select); coding-DNA position 1720, A replaced by G.
Protein change: p.Lys574Glu; replaces lysine 574 with glutamic acid.
Molecular consequence: missense variant.
Genome position (GRCh38, 1-based): chr1:231,274,039, A>G. VCF-style: chr1-231274039-A-G. GRCh37 (hg19) VCF-style: chr1-231409785-A-G.
Other names: c.1537A>G, p.Lys513Glu (NM_001316350.2); short protein forms K513E, K574E.
Identifiers: ClinVar variation 1951989 (VCV001951989.2), dbSNP rs1490096134, ClinGen allele CA345239533.